The following is an entry in ClinVar:

NM_018249.6(CDK5RAP2):c.880-7A>G

Gene: CDK5RAP2 (CDK5 regulatory subunit associated protein 2; minus strand). Cytogenetic location: 9q33.2.
Variant type: single nucleotide variant.
Coding change: c.880-7A>G on transcript NM_018249.6 (MANE Select); 7 bases into the intron before coding-DNA position 880, A replaced by G.
Molecular consequence: intron variant.
Genome position (GRCh38, 1-based): chr9:120,527,932, T>C on the plus strand (A>G on the coding strand, the complement: CDK5RAP2 is on the minus strand). VCF-style: chr9-120527932-T-C. GRCh37 (hg19) VCF-style: chr9-123290210-T-C.
Other names: c.880-7A>G (NM_001272039.2, NM_001011649.3).
Identifiers: ClinVar variation 158172 (VCV000158172.18), dbSNP rs76132121, ClinGen allele CA171601.

ClinVar aggregate classification (germline): Benign. Review status: criteria provided, multiple submitters, no conflicts (2 of 4 stars). 3 submissions from 3 submitters: Benign (3). Last evaluated 2026-01-28.

Allele frequency attached by ClinVar (database versions not stated): gnomAD exomes 0.00124 and 0.00327; ExAC 0.00380; 1000 Genomes Project 30x 0.01202; 1000 Genomes Project 0.01218; gnomAD 0.01218 and 0.01314; ESP Exome Variant Server 0.01338; TOPMed 0.01430.
gnomAD v4.1: 3,767 of 1,613,646 alleles (0.23%); highest among the groups gnomAD compares: African/African-American, 4.3%; 87 homozygotes.

Submissions (3):

Labcorp Genetics (formerly Invitae), Labcorp
Classification: Benign. Last evaluated: 2026-01-28. Review status: criteria provided, single submitter. Criteria: Invitae Variant Classification Sherloc (09022015). Collection method: clinical testing. Allele origin: germline.

GeneDx
Classification: Benign. Last evaluated: 2015-09-25. Review status: criteria provided, single submitter. Criteria: GeneDx Variant Classification (06012015). Collection method: clinical testing. Allele origin: germline. Affected: yes.
Comment: This variant is considered likely benign or benign based on one or more of the following criteria: it is a conservative change, it occurs at a poorly conserved position in the protein, it is predicted to be benign by multiple in silico algorithms, and/or has population frequency not consistent with disease.

Genetic Services Laboratory, University of Chicago
Classification: Benign. Last evaluated: 2013-02-08. Review status: criteria provided, single submitter. Criteria: ACMG Guidelines, 2007. Collection method: clinical testing. Allele origin: germline. Inheritance: Autosomal recessive inheritance.